The following is an entry in ClinVar:

ClinVar aggregate classification (germline): Likely benign. Review status: criteria provided, multiple submitters, no conflicts (2 of 4 stars). 2 submissions from 2 submitters: Likely benign (2). Last evaluated 2025-12-30.

Conditions:
STX3-related disorder. Also called: STX3-related condition.

Allele frequency attached by ClinVar (database versions not stated): gnomAD 0.00101 and 0.00087; TOPMed 0.00101; gnomAD exomes 0.00009; 1000 Genomes Project 30x 0.00047; 1000 Genomes Project 0.00060; ESP Exome Variant Server 0.00092.
gnomAD v4.1: 275 of 1,614,080 alleles (0.017%); highest among the groups gnomAD compares: African/African-American, 0.33%; no homozygotes.

Submissions (2):

PreventionGenetics, part of Exact Sciences
Classification: Likely benign for STX3-related condition. Last evaluated: 2025-12-30. Review status: criteria provided, single submitter. Criteria: ACMG Guidelines, 2015. Collection method: clinical testing. Allele origin: germline.
Comment: This variant is classified as likely benign based on ACMG/AMP sequence variant interpretation guidelines (Richards et al. 2015 PMID: 25741868, with internal and published modifications).

Labcorp Genetics (formerly Invitae), Labcorp
Classification: Likely benign. Last evaluated: 2025-12-18. Review status: criteria provided, single submitter. Criteria: Invitae Variant Classification Sherloc (09022015). Collection method: clinical testing. Allele origin: germline.

NM_004177.5(STX3):c.856G>A (p.Val286Ile)

Gene: STX3 (syntaxin 3; plus strand). Cytogenetic location: 11q12.1.
Variant type: single nucleotide variant.
Coding change: c.856G>A on transcript NM_004177.5 (MANE Select); coding-DNA position 856, G replaced by A.
Protein change: p.Val286Ile; replaces valine 286 with isoleucine.
Molecular consequence: missense variant. On other transcripts: intron variant (4).
Genome position (GRCh38, 1-based): chr11:59,797,352, G>A. VCF-style: chr11-59797352-G-A. GRCh37 (hg19) VCF-style: chr11-59564825-G-A.
Other names: c.856G>A, p.Val286Ile (NM_001440522.1, NM_001440523.1, NM_001440524.1 and 1 more transcripts); c.850G>A, p.Val284Ile (NM_001440528.1); c.835G>A, p.Val279Ile (NM_001440530.1); c.745G>A, p.Val249Ile (NM_001440531.1); c.786+1870G>A (NM_001440526.1, NM_001178040.3); c.786+1640G>A (NM_001440529.1, NM_001440527.1); c.856G>A (NM_004177.4); short protein forms V286I, V249I, V279I, V284I.
Identifiers: ClinVar variation 1139984 (VCV001139984.10), dbSNP rs35790732, ClinGen allele CA6021042.